The following is an entry in ClinVar:

ClinVar aggregate classification (germline): Likely benign. Review status: criteria provided, multiple submitters, no conflicts (2 of 4 stars). 2 submissions from 2 submitters: Likely benign (2). Last evaluated 2024-12-17.

Conditions:
Nemaline myopathy 2 (NEM2). Also called: Nemaline myopathy 2, autosomal recessive. Identifiers: MedGen C1850569, MONDO:0009725, OMIM 256030.

Allele frequency attached by ClinVar (database versions not stated): gnomAD exomes 0.00001 and 0.00002; gnomAD 0.00002 and 0.00001; TOPMed 0.00002.
gnomAD v4.1: 15 of 1,612,058 alleles (0.00093%); highest among the groups gnomAD compares: East Asian, 0.025%; no homozygotes.

Submissions (2):

Labcorp Genetics (formerly Invitae), Labcorp
Classification: Likely benign for Nemaline myopathy 2. Last evaluated: 2024-12-17. Review status: criteria provided, single submitter. Criteria: Invitae Variant Classification Sherloc (09022015). Collection method: clinical testing. Allele origin: germline.

GeneDx
Classification: Likely benign. Last evaluated: 2016-12-27. Review status: criteria provided, single submitter. Criteria: GeneDx Variant Classification (06012015). Collection method: clinical testing. Allele origin: germline. Affected: yes.
Comment: This variant is considered likely benign or benign based on one or more of the following criteria: it is a conservative change, it occurs at a poorly conserved position in the protein, it is predicted to be benign by multiple in silico algorithms, and/or has population frequency not consistent with disease.

NM_001164508.2(NEB):c.24738T>C (p.Ala8246=)

Genes: NEB (nebulin; minus strand), RIF1 (replication timing regulatory factor 1; plus strand). Cytogenetic location: 2q23.3.
Variant type: single nucleotide variant.
Coding change: c.24738T>C on transcript NM_001164508.2 (MANE Select); coding-DNA position 24738, T replaced by C.
Protein change: p.Ala8246=; no amino-acid change (alanine 8246 retained).
Molecular consequence: synonymous variant.
Genome position (GRCh38, 1-based): chr2:151,493,380, A>G on the plus strand (T>C on the coding strand, the complement: NEB is on the minus strand). VCF-style: chr2-151493380-A-G. GRCh37 (hg19) VCF-style: chr2-152349894-A-G.
Other names: c.24738T>C, p.Ala8246= (NM_001164507.2); c.24843T>C, p.Ala8281= (NM_001271208.2); c.19170T>C, p.Ala6390= (NM_004543.5).
Identifiers: ClinVar variation 392054 (VCV000392054.11), dbSNP rs1057524338, ClinGen allele CA16603843.